The following is an entry in ClinVar:

ClinVar aggregate classification (germline): Uncertain significance (1 of 4 stars; one submission).

Submission:

GeneDx
Classification: Uncertain significance. Last evaluated: 2026-02-03. Review status: criteria provided, single submitter. Criteria: GeneDx Variant Classification Process June 2021. Collection method: clinical testing. Allele origin: germline.
Comment: Not observed at significant frequency in large population cohorts (gnomAD); In silico analysis supports that this missense variant has a deleterious effect on protein structure/function; In silico analysis supports a deleterious effect on splicing; Has not been previously published as pathogenic or benign to our knowledge

NM_000965.5(RARB):c.991G>C (p.Asp331His)

Gene: RARB (retinoic acid receptor beta; plus strand). Cytogenetic location: 3p24.2.
Variant type: single nucleotide variant.
Coding change: c.991G>C on transcript NM_000965.5 (MANE Select); coding-DNA position 991, G replaced by C.
Protein change: p.Asp331His; replaces aspartic acid 331 with histidine.
Molecular consequence: missense variant. On other transcripts: non-coding transcript variant (1).
Genome position (GRCh38, 1-based): chr3:25,593,707, G>C. VCF-style: chr3-25593707-G-C. GRCh37 (hg19) VCF-style: chr3-25635198-G-C.
Other names: c.1012G>C, p.Asp338His (NM_001290216.3); c.655G>C, p.Asp219His (NM_001290217.2, NM_001290276.2, NM_016152.4); c.844G>C, p.Asp282His (NM_001290266.2); c.853G>C, p.Asp285His (NM_001290277.1); c.862G>C, p.Asp288His (NM_001290300.2); short protein forms D219H, D282H, D285H, D288H, D331H, D338H.
Identifiers: ClinVar variation 4976115 (VCV004976115.1).